The following is an entry in ClinVar:

ClinVar aggregate classification (germline): Uncertain significance (1 of 4 stars; one submission).

Conditions:
Combined immunodeficiency due to STK4 deficiency (IMD110). Also called: STK4 DEFICIENCY; MST1 DEFICIENCY; T-cell immunodeficiency, recurrent infections, and autoimmunity with or without cardiac malformations. Identifiers: Orphanet 314689, MedGen C3553943, MONDO:0013934, OMIM 614868.

Allele frequency attached by ClinVar (database versions not stated): gnomAD exomes below 0.00001; ExAC 0.00002.
gnomAD v4.1: 3 of 1,614,112 alleles (0.00019%); highest among the groups gnomAD compares: Non-Finnish European, 0.00025%; no homozygotes.

Submission:

Labcorp Genetics (formerly Invitae), Labcorp
Classification: Uncertain significance for Combined immunodeficiency due to STK4 deficiency. Last evaluated: 2022-09-30. Review status: criteria provided, single submitter. Criteria: Invitae Variant Classification Sherloc (09022015). Collection method: clinical testing. Allele origin: germline.
Comment: In summary, the available evidence is currently insufficient to determine the role of this variant in disease. Therefore, it has been classified as a Variant of Uncertain Significance. Advanced modeling of protein sequence and biophysical properties (such as structural, functional, and spatial information, amino acid conservation, physicochemical variation, residue mobility, and thermodynamic stability) performed at Invitae indicates that this missense variant is not expected to disrupt STK4 protein function. This variant has not been reported in the literature in individuals affected with STK4-related conditions. This variant is present in population databases (rs763376298, gnomAD 0.002%). This sequence change replaces valine, which is neutral and non-polar, with alanine, which is neutral and non-polar, at codon 101 of the STK4 protein (p.Val101Ala).

NM_006282.5(STK4):c.302T>C (p.Val101Ala)

Gene: STK4 (serine/threonine kinase 4; plus strand). Cytogenetic location: 20q13.12.
Variant type: single nucleotide variant.
Coding change: c.302T>C on transcript NM_006282.5 (MANE Select); coding-DNA position 302, T replaced by C.
Protein change: p.Val101Ala; replaces valine 101 with alanine.
Molecular consequence: missense variant.
Genome position (GRCh38, 1-based): chr20:44,981,885, T>C. VCF-style: chr20-44981885-T-C. GRCh37 (hg19) VCF-style: chr20-43610526-T-C.
Other names: c.302T>C, p.Val101Ala (NM_001352385.2); short protein forms V101A.
Identifiers: ClinVar variation 1949707 (VCV001949707.5), dbSNP rs763376298, ClinGen allele CA9873772.